The following is an entry in ClinVar:

NM_005157.6(ABL1):c.2531C>A (p.Thr844Asn)

Gene: ABL1 (ABL proto-oncogene 1, non-receptor tyrosine kinase; plus strand). Cytogenetic location: 9q34.12.
Variant type: single nucleotide variant.
Coding change: c.2531C>A on transcript NM_005157.6 (MANE Select); coding-DNA position 2531, C replaced by A.
Protein change: p.Thr844Asn; replaces threonine 844 with asparagine.
Molecular consequence: missense variant.
Genome position (GRCh38, 1-based): chr9:130,884,821, C>A. VCF-style: chr9-130884821-C-A. GRCh37 (hg19) VCF-style: chr9-133760208-C-A.
Other names: c.2588C>A, p.Thr863Asn (NM_007313.3); short protein forms T844N, T863N.
Identifiers: ClinVar variation 2777918 (VCV002777918.3), dbSNP rs1432681841, ClinGen allele CA375257126.

ClinVar aggregate classification (germline): Uncertain significance (1 of 4 stars; one submission).

Allele frequency attached by ClinVar (database versions not stated): TOPMed below 0.00001; gnomAD 0.00001.

Submission:

Labcorp Genetics (formerly Invitae), Labcorp
Classification: Uncertain significance. Last evaluated: 2023-07-06. Review status: criteria provided, single submitter. Criteria: Invitae Variant Classification Sherloc (09022015). Collection method: clinical testing. Allele origin: germline.
Comment: In summary, the available evidence is currently insufficient to determine the role of this variant in disease. Therefore, it has been classified as a Variant of Uncertain Significance. Advanced modeling of protein sequence and biophysical properties (such as structural, functional, and spatial information, amino acid conservation, physicochemical variation, residue mobility, and thermodynamic stability) performed at Invitae indicates that this missense variant is not expected to disrupt ABL1 protein function. This variant has not been reported in the literature in individuals affected with ABL1-related conditions. This variant is not present in population databases (gnomAD no frequency). This sequence change replaces threonine, which is neutral and polar, with asparagine, which is neutral and polar, at codon 863 of the ABL1 protein (p.Thr863Asn).